The following is an entry in ClinVar:

NM_001136472.2(LITAF):c.82G>A (p.Ala28Thr)

Gene: LITAF (lipopolysaccharide induced TNF factor; minus strand). Cytogenetic location: 16p13.13.
Variant type: single nucleotide variant.
Coding change: c.82G>A on transcript NM_001136472.2 (MANE Select); coding-DNA position 82, G replaced by A.
Protein change: p.Ala28Thr; replaces alanine 28 with threonine.
Molecular consequence: missense variant. On other transcripts: non-coding transcript variant (1).
Genome position (GRCh38, 1-based): chr16:11,556,649, C>T on the plus strand (G>A on the coding strand, the complement: LITAF is on the minus strand). VCF-style: chr16-11556649-C-T. GRCh37 (hg19) VCF-style: chr16-11650505-C-T.
Other names: c.82G>A, p.Ala28Thr (NM_001136473.1, NM_004862.4); short protein forms A28T.
Identifiers: ClinVar variation 3728141 (VCV003728141.2).
Genomic context (GRCh38, chr16:11,556,649, plus strand): 5'-CAAGCCCCGTAGTTGGCCCAGGCATGGGAGCTGGAGGTGTGGGGTAATAACTGTTAACAG[C>T]CACTGTCTCTTCATAGGATGGAGGTGCGGATGGTGCTGAGGAAGGCCCAGTGGCCGCCTG-3'
Protein context (NP_001129944.1, residues 18-38): SAPPSYEETV[Ala28Thr]VNSYYPTPPA

ClinVar aggregate classification (germline): Uncertain significance (1 of 4 stars; one submission).

Conditions:
Charcot-Marie-Tooth disease type 1C. Also called: CHARCOT-MARIE-TOOTH NEUROPATHY, TYPE 1C; NEUROPATHY, HEREDITARY MOTOR AND SENSORY, TYPE IC; Charcot-Marie-Tooth disease, type IC; CHARCOT-MARIE-TOOTH DISEASE, DEMYELINATING, TYPE 1C; CMT, SLOW NERVE CONDUCTION TYPE C; HMSN IC. Identifiers: Orphanet 101083, MedGen C0270913, MONDO:0010995, OMIM 601098.

gnomAD v4.1: 1 of 1,614,192 alleles (0.000062%); highest among the groups gnomAD compares: Non-Finnish European, 0.000085%; no homozygotes.

Submission:

Labcorp Genetics (formerly Invitae), Labcorp
Classification: Uncertain significance for Charcot-Marie-Tooth disease type 1C. Last evaluated: 2024-12-27. Review status: criteria provided, single submitter. Criteria: Invitae Variant Classification Sherloc (09022015). Collection method: clinical testing. Allele origin: germline.
Comment: This sequence change replaces alanine, which is neutral and non-polar, with threonine, which is neutral and polar, at codon 28 of the LITAF protein (p.Ala28Thr). This variant is not present in population databases (gnomAD no frequency). This variant has not been reported in the literature in individuals affected with LITAF-related conditions. An algorithm developed to predict the effect of missense changes on protein structure and function (PolyPhen-2) suggests that this variant is likely to be tolerated. In summary, the available evidence is currently insufficient to determine the role of this variant in disease. Therefore, it has been classified as a Variant of Uncertain Significance.